The following is an entry in ClinVar:

NM_003611.3(OFD1):c.312+3A>G

Gene: OFD1 (OFD1 centriole and centriolar satellite protein; plus strand). Cytogenetic location: Xp22.2.
Variant type: single nucleotide variant.
Coding change: c.312+3A>G on transcript NM_003611.3 (MANE Select); 3 bases into the intron after coding-DNA position 312, A replaced by G.
Molecular consequence: intron variant.
Genome position (GRCh38, 1-based): chrX:13,736,681, A>G. VCF-style: chrX-13736681-A-G. GRCh37 (hg19) VCF-style: chrX-13754800-A-G.
Other names: c.-234+3A>G (NM_001330210.2); c.312+3A>G (NM_001440947.1, NM_001330209.2, NM_001440948.1).
Identifiers: ClinVar variation 4083076 (VCV004083076.2).

ClinVar aggregate classification (germline): Uncertain significance. Review status: criteria provided, multiple submitters, no conflicts (2 of 4 stars). 2 submissions from 2 submitters: Uncertain significance (2). Last evaluated 2025-03-07.

Submissions (2):

GeneDx
Classification: Uncertain significance. Last evaluated: 2025-03-07. Review status: criteria provided, single submitter. Criteria: GeneDx Variant Classification Process June 2021. Collection method: clinical testing. Allele origin: germline. Affected: yes.
Comment: Not observed at significant frequency in large population cohorts (gnomAD); In silico analysis is inconclusive as to whether the variant alters gene splicing. In the absence of RNA/functional studies, the actual effect of this sequence change is unknown.; Has not been previously published as pathogenic or benign to our knowledge

Blueprint Genetics
Classification: Uncertain significance. Last evaluated: 2020-01-21. Review status: criteria provided, single submitter. Criteria: ACMG Guidelines, 2015. Collection method: clinical testing. Allele origin: germline.